The following is an entry in ClinVar:

ClinVar aggregate classification (germline): Uncertain significance (1 of 4 stars; one submission).

Allele frequency attached by ClinVar (database versions not stated): gnomAD 0.00001; gnomAD exomes 0.00001; TOPMed 0.00001.
gnomAD v4.1: 5 of 1,613,130 alleles (0.00031%); highest among the groups gnomAD compares: African/African-American, 0.0027%; no homozygotes.

Submission:

Labcorp Genetics (formerly Invitae), Labcorp
Classification: Uncertain significance. Last evaluated: 2022-08-29. Review status: criteria provided, single submitter. Criteria: Invitae Variant Classification Sherloc (09022015). Collection method: clinical testing. Allele origin: germline.
Comment: In summary, the available evidence is currently insufficient to determine the role of this variant in disease. Therefore, it has been classified as a Variant of Uncertain Significance. Algorithms developed to predict the effect of missense changes on protein structure and function are either unavailable or do not agree on the potential impact of this missense change (SIFT: "Deleterious"; PolyPhen-2: "Benign"; Align-GVGD: "Class C15"). This variant has not been reported in the literature in individuals affected with RAI1-related conditions. This variant is not present in population databases (gnomAD no frequency). This sequence change replaces serine, which is neutral and polar, with leucine, which is neutral and non-polar, at codon 546 of the RAI1 protein (p.Ser546Leu).

NM_030665.4(RAI1):c.1637C>T (p.Ser546Leu)

Gene: RAI1 (retinoic acid induced 1; plus strand). Cytogenetic location: 17p11.2.
Variant type: single nucleotide variant.
Coding change: c.1637C>T on transcript NM_030665.4 (MANE Select); coding-DNA position 1637, C replaced by T.
Protein change: p.Ser546Leu; replaces serine 546 with leucine.
Molecular consequence: missense variant.
Genome position (GRCh38, 1-based): chr17:17,794,585, C>T. VCF-style: chr17-17794585-C-T. GRCh37 (hg19) VCF-style: chr17-17697899-C-T.
Other names: short protein forms S546L.
Identifiers: ClinVar variation 2413330 (VCV002413330.4), dbSNP rs1168221178, ClinGen allele CA398548870.